The following is an entry in ClinVar:

ClinVar aggregate classification (germline): Uncertain significance (1 of 4 stars; one submission).

Conditions:
Familial hypokalemia-hypomagnesemia (GTLMNS). Also called: gitelman syndrome; HYPOMAGNESEMIA-HYPOKALEMIA, PRIMARY RENOTUBULAR, WITH HYPOCALCIURIA; POTASSIUM AND MAGNESIUM DEPLETION. Identifiers: Orphanet 358, MedGen C0268450, MONDO:0009904, OMIM 263800.

Allele frequency attached by ClinVar (database versions not stated): TOPMed below 0.00001; gnomAD 0.00001 and 0.00002.
gnomAD v4.1: 2 of 137,000 alleles (0.0015%); highest among the groups gnomAD compares: African/African-American, 0.0058%; no homozygotes.

Submission:

European Hospital Georges Pompidou Genetics Department, Assistance Publique - Hôpitaux de Paris AP-HP
Classification: Uncertain significance for Familial hypokalemia-hypomagnesemia. Last evaluated: 2022-04-27. Review status: criteria provided, single submitter. Criteria: ACMG Guidelines, 2015. Collection method: clinical testing. Allele origin: germline. Affected: yes.
Comment: ACMG criteria used:PM2

NM_001126108.2(SLC12A3):c.2924+825C>T

Gene: SLC12A3 (solute carrier family 12 member 3; plus strand). Cytogenetic location: 16q13.
Variant type: single nucleotide variant.
Coding change: c.2924+825C>T on transcript NM_001126108.2 (MANE Select); 825 bases into the intron after coding-DNA position 2924, C replaced by T.
Molecular consequence: intron variant.
Genome position (GRCh38, 1-based): chr16:56,905,287, C>T. VCF-style: chr16-56905287-C-T. GRCh37 (hg19) VCF-style: chr16-56939199-C-T.
Other names: c.2951+825C>T (NM_000339.3); c.2948+825C>T (NM_001126107.2).
Identifiers: ClinVar variation 1684185 (VCV001684185.1), dbSNP rs1403329930, ClinGen allele CA721951306.